The following is an entry in ClinVar:

NM_000214.3(JAG1):c.2883_2894del (p.Thr962_Phe965del)

Gene: JAG1 (jagged canonical Notch ligand 1; minus strand). Cytogenetic location: 20p12.2.
Variant type: Deletion.
Coding change: c.2883_2894del on transcript NM_000214.3 (MANE Select); coding-DNA positions 2883 to 2894, 12 bases deleted (CACATTTACCTT).
Protein change: p.Thr962_Phe965del.
Molecular consequence: inframe deletion.
Genome position (GRCh38, 1-based): chr20:10,641,482-10,641,493, AAGGTAAATGTG deleted on the plus strand (CACATTTACCTT on the coding strand, the reverse complement: JAG1 is on the minus strand); deleting any 12 consecutive bases within chr20:10,641,482-10,641,494 gives the same sequence; the c. name uses the placement nearest the transcript's 3' end. VCF-style (leftmost placement, unchanged base first): chr20-10641481-AAAGGTAAATGTG-A. GRCh37 (hg19) VCF-style: chr20-10622129-AAAGGTAAATGTG-A.
Identifiers: ClinVar variation 4992238 (VCV004992238.1).

ClinVar aggregate classification (germline): Uncertain significance (1 of 4 stars; one submission).

Conditions:
JAG1-related disorder. Also called: JAG1-related condition; JAG1-related disorders.

Submission:

PreventionGenetics, part of Exact Sciences
Classification: Uncertain significance for JAG1-related condition. Last evaluated: 2026-09-08. Review status: criteria provided, single submitter. Criteria: ACMG Guidelines, 2015. Collection method: clinical testing. Allele origin: germline.
Comment: The JAG1 c.2883_2894del12 variant is predicted to result in an in-frame deletion (p.Thr962_Phe965del). To our knowledge, this variant has not been reported in the literature or in a large population database (gnomAD), indicating this variant is rare. At this time, the clinical significance of this variant is uncertain due to the absence of conclusive functional and genetic evidence.